The following is an entry in ClinVar:

ClinVar aggregate classification (germline): Uncertain significance (1 of 4 stars; one submission).

Conditions:
Parkinsonism-dystonia, infantile. Identifiers: Orphanet 238455, MedGen C2751067, MONDO:0013150.

Submission:

Labcorp Genetics (formerly Invitae), Labcorp
Classification: Uncertain significance for Parkinsonism-dystonia, infantile. Last evaluated: 2023-08-24. Review status: criteria provided, single submitter. Criteria: Invitae Variant Classification Sherloc (09022015). Collection method: clinical testing. Allele origin: germline.
Comment: This sequence change replaces glycine, which is neutral and non-polar, with valine, which is neutral and non-polar, at codon 234 of the SLC6A3 protein (p.Gly234Val). This variant is not present in population databases (gnomAD no frequency). In summary, the available evidence is currently insufficient to determine the role of this variant in disease. Therefore, it has been classified as a Variant of Uncertain Significance. Advanced modeling of protein sequence and biophysical properties (such as structural, functional, and spatial information, amino acid conservation, physicochemical variation, residue mobility, and thermodynamic stability) performed at Invitae indicates that this missense variant is not expected to disrupt SLC6A3 protein function. This variant has not been reported in the literature in individuals affected with SLC6A3-related conditions.

NM_001044.5(SLC6A3):c.701G>T (p.Gly234Val)

Gene: SLC6A3 (solute carrier family 6 member 3). Cytogenetic location: 5p15.33.
Variant type: single nucleotide variant.
Coding change: c.701G>T on transcript NM_001044.5 (MANE Select); coding-DNA position 701, G replaced by T.
Protein change: p.Gly234Val; replaces glycine 234 with valine.
Molecular consequence: missense variant.
Genome position (GRCh38, 1-based): chr5:1,421,967, C>A on the plus strand (G>T on the coding strand, the complement: SLC6A3 is on the minus strand). VCF-style: chr5-1421967-C-A. GRCh37 (hg19) VCF-style: chr5-1422082-C-A.
Other names: short protein forms G234V.
Identifiers: ClinVar variation 2845818 (VCV002845818.3), dbSNP rs2477376488, ClinGen allele CA359087274.